The following is an entry in ClinVar:

ClinVar aggregate classification (germline): Conflicting classifications of pathogenicity. Review status: criteria provided, conflicting classifications (1 of 4 stars). 4 submissions from 4 submitters: Uncertain significance (3); Likely benign (1). Last evaluated 2025-11-15.

Conditions:
WFS1-related disorder. Identifiers: MedGen CN379391, MONDO:0700293.
Wolfram syndrome 1 (WFS1). Identifiers: Orphanet 3463, MedGen C4551693, MONDO:0009101, OMIM 222300.

Allele frequency attached by ClinVar (database versions not stated): TOPMed 0.00001; ExAC 0.00005; gnomAD exomes 0.00006.

Submissions (4):

Labcorp Genetics (formerly Invitae), Labcorp
Classification: Uncertain significance. Last evaluated: 2025-11-15. Review status: criteria provided, single submitter. Criteria: Invitae Variant Classification Sherloc (09022015). Collection method: clinical testing. Allele origin: germline.
Comment: This sequence change replaces aspartic acid, which is acidic and polar, with asparagine, which is neutral and polar, at codon 379 of the WFS1 protein (p.Asp379Asn). This variant is present in population databases (rs772554352, gnomAD 0.03%). This variant has not been reported in the literature in individuals affected with WFS1-related conditions. ClinVar contains an entry for this variant (Variation ID: 215355). Invitae Evidence Modeling of protein sequence and biophysical properties (such as structural, functional, and spatial information, amino acid conservation, physicochemical variation, residue mobility, and thermodynamic stability) indicates that this missense variant is not expected to disrupt WFS1 protein function with a negative predictive value of 95%. In summary, the available evidence is currently insufficient to determine the role of this variant in disease. Therefore, it has been classified as a Variant of Uncertain Significance.

PreventionGenetics, part of Exact Sciences
Classification: Uncertain significance for WFS1-related condition. Last evaluated: 2024-12-18. Review status: criteria provided, single submitter. Criteria: ACMG Guidelines, 2015. Collection method: clinical testing. Allele origin: germline.
Comment: The WFS1 c.1135G>A variant is predicted to result in the amino acid substitution p.Asp379Asn. To our knowledge, this variant has not been reported in the literature. This variant is reported in 0.026% of alleles in individuals of South Asian descent in gnomAD. At this time, the clinical significance of this variant is uncertain due to the absence of conclusive functional and genetic evidence.

GeneDx
Classification: Likely benign. Last evaluated: 2014-03-19. Review status: criteria provided, single submitter. Criteria: GeneDx Variant Classification (06012015). Collection method: clinical testing. Allele origin: germline. Affected: yes.
Comment: This variant is considered likely benign or benign based on one or more of the following criteria: it is a conservative change, it occurs at a poorly conserved position in the protein, it is predicted to be benign by multiple in silico algorithms, and/or has population frequency not consistent with disease.

Clinical Genomics, Uppaluri K&H Personalized Medicine Clinic
Classification: Uncertain significance for Wolfram syndrome 1. Review status: criteria provided, single submitter. Criteria: K & H Uppaluri Personalized Medicine Clinic Variant Classification & Assertion Criteria_Updated V.1. Collection method: research. Allele origin: unknown. Inheritance: Autosomal recessive inheritance.
Comment: Potent mutations in WFS1 gene are associated with Wolfram's syndrome, an autosomal recessive condition, which cause diabetes mellitus, diabetes insipidus, deafness and optic atrophy.However no sufficient evidence is found to ascertain the role of this particular variant rs772554352 in Wolfram's syndrome yet.

Literature cited by the submitters: PubMed 20738327 (cited by Clinical Genomics, Uppaluri K&H Personalized Medicine Clinic); PubMed 33879153 (cited by Clinical Genomics, Uppaluri K&H Personalized Medicine Clinic); PubMed 12955714 (cited by Clinical Genomics, Uppaluri K&H Personalized Medicine Clinic); PubMed 18060660 (cited by Clinical Genomics, Uppaluri K&H Personalized Medicine Clinic); PubMed 20301750 (cited by Clinical Genomics, Uppaluri K&H Personalized Medicine Clinic); PubMed 17603484 (cited by Clinical Genomics, Uppaluri K&H Personalized Medicine Clinic).

NM_006005.3(WFS1):c.1135G>A (p.Asp379Asn)

Gene: WFS1 (wolframin ER transmembrane glycoprotein; plus strand). Cytogenetic location: 4p16.1.
Variant type: single nucleotide variant.
Coding change: c.1135G>A on transcript NM_006005.3 (MANE Select); coding-DNA position 1135, G replaced by A.
Protein change: p.Asp379Asn; replaces aspartic acid 379 with asparagine.
Molecular consequence: missense variant.
Genome position (GRCh38, 1-based): chr4:6,300,930, G>A. VCF-style: chr4-6300930-G-A. GRCh37 (hg19) VCF-style: chr4-6302657-G-A.
Other names: c.1135G>A, p.Asp379Asn (NM_001145853.1); short protein forms D379N.
Identifiers: ClinVar variation 215355 (VCV000215355.7), dbSNP rs772554352, ClinGen allele CA319808.
Genomic context (GRCh38, chr4:6,300,930, plus strand): 5'-ATCTGCACCCTCAAGGTGTTCCAGGACAGCAAGGCCTGGGAGAACTTCCGCACCCTCACC[G>A]ACCTGCTGCTGCGCTTCGAGCCCAACCTGGATGTGGAGCAGGCCGAGGTCAACTTCGGCT-3'
Protein context (NP_005996.2, residues 369-389): KAWENFRTLT[Asp379Asn]LLLRFEPNLD